The following is an entry in ClinVar:

ClinVar aggregate classification (germline): Pathogenic; association. Review status: no assertion criteria provided (0 of 4 stars). 2 submissions from 2 submitters: Pathogenic (1). Last evaluated 2020-11-09.

Conditions:
Hearing loss. Identifiers: MedGen C3887873.
Hearing loss, autosomal dominant 78. Also called: DEAFNESS, AUTOSOMAL DOMINANT 78. Identifiers: MedGen C5436768, MONDO:0033665, OMIM 619081.

Submissions (2):

OMIM
Classification: Pathogenic for DEAFNESS, AUTOSOMAL DOMINANT 78. Last evaluated: 2020-11-09. Review status: no assertion criteria provided. Collection method: literature only. Allele origin: germline.

National Institute of Sensory Organs, National Hospital Organization Tokyo Medical Center
Classification: association for Hearing loss. Last evaluated: 2019-09-10. Review status: no assertion criteria provided. Collection method: clinical testing, in vitro. Allele origin: maternal, germline. Inheritance: Autosomal dominant inheritance. Affected: yes. Observed: 5 variant alleles, 6 heterozygotes. Clinical features observed: Hearing impairment (HP:0000365), Sensorineural hearing loss (HP:0000407), Profound hearing impairment (HP:0012715). Functional consequence: loss_of_function_variant. Segregation with disease observed.
Comment: co-segregation with disease, in vitro experiment

Literature cited by the submitters: PubMed 32294086 (cited by OMIM).

NM_001046.3(SLC12A2):c.2941G>T (p.Asp981Tyr)

Gene: SLC12A2 (solute carrier family 12 member 2; plus strand). Cytogenetic location: 5q23.3.
Variant type: single nucleotide variant.
Coding change: c.2941G>T on transcript NM_001046.3 (MANE Select); coding-DNA position 2941, G replaced by T.
Protein change: p.Asp981Tyr; replaces aspartic acid 981 with tyrosine.
Molecular consequence: missense variant. On other transcripts: non-coding transcript variant (1), intron variant (1).
Genome position (GRCh38, 1-based): chr5:128,177,116, G>T. VCF-style: chr5-128177116-G-T. GRCh37 (hg19) VCF-style: chr5-127512808-G-T.
Other names: c.2930-1451G>T (NM_001256461.2); short protein forms D981Y.
Identifiers: ClinVar variation 804307 (VCV000804307.4), dbSNP rs1581138944, ClinGen allele CA360737952.
Genomic context (GRCh38, chr5:128,177,116, plus strand): 5'-TAATATAAAGGCAATTAACATATTTTTGTGTTTTTTAAACATAATCTAGTTGAGGAAGAG[G>T]ATGGCAAGACTGCAACTCAACCACTGTTGAAAAAAGGCAGGCATTTTTCATCATTTTATT-3'
Protein context (NP_001037.1, residues 971-991): KPITHKVEEE[Asp981Tyr]GKTATQPLLK